The following is an entry in ClinVar:

NM_033380.3(COL4A5):c.715G>C (p.Gly239Arg)

Gene: COL4A5 (collagen type IV alpha 5 chain; plus strand). Cytogenetic location: Xq22.3.
Variant type: single nucleotide variant.
Coding change: c.715G>C on transcript NM_033380.3 (MANE Select); coding-DNA position 715, G replaced by C.
Protein change: p.Gly239Arg; replaces glycine 239 with arginine.
Molecular consequence: missense variant.
Genome position (GRCh38, 1-based): chrX:108,578,318, G>C. VCF-style: chrX-108578318-G-C. GRCh37 (hg19) VCF-style: chrX-107821548-G-C.
Other names: c.715G>C, p.Gly239Arg (NM_000495.5); short protein forms G239R.
Identifiers: ClinVar variation 3391331 (VCV003391331.1).

ClinVar aggregate classification (germline): Uncertain significance (1 of 4 stars; one submission).

Conditions:
X-linked Alport syndrome (ATS1). Also called: COL4A5-Related Nephropathy; NEPHROPATHY AND DEAFNESS, X-LINKED. Identifiers: Orphanet 63, Orphanet 88917, MedGen C4746986, MONDO:0010520, OMIM 301050.

Submission:

Neuberg Centre For Genomic Medicine, NCGM
Classification: Uncertain significance for X-linked Alport syndrome. Last evaluated: 2023-07-22. Review status: criteria provided, single submitter. Criteria: ACMG Guidelines, 2015. Collection method: clinical testing. Allele origin: germline. Inheritance: Autosomal recessive inheritance. Affected: yes.
Comment: The missense variant c.715G>C p.Gly239Arg in the COL4A5 gene has not been reported previously as a pathogenic variant nor as a benign variant, to our knowledge. This variant is absent in the gnomAD Exomes. The amino acid Gly at position 239 is changed to a Arg changing protein sequence and it might alter its composition and physico-chemical properties. Multiple lines of computational evidence Polyphen - Damaging, SIFT - Damaging and MutationTaster - Disease causing predict a damaging effect on protein structure and function for this variant. The amino acid change p.Gly239Arg in COL4A5 is predicted as conserved by GERP++ and PhyloP across 100 vertebrates. For these reasons, this variant has been classified as Uncertain Significance